The following is an entry in ClinVar:

NM_020928.2(ZSWIM6):c.2625T>G (p.Asp875Glu)

Gene: ZSWIM6 (zinc finger SWIM-type containing 6; plus strand). Cytogenetic location: 5q12.1.
Variant type: single nucleotide variant.
Coding change: c.2625T>G on transcript NM_020928.2 (MANE Select); coding-DNA position 2625, T replaced by G.
Protein change: p.Asp875Glu; replaces aspartic acid 875 with glutamic acid.
Molecular consequence: missense variant.
Genome position (GRCh38, 1-based): chr5:61,539,681, T>G. VCF-style: chr5-61539681-T-G. GRCh37 (hg19) VCF-style: chr5-60835508-T-G.
Other names: c.2625T>G (NM_020928.1); short protein forms D875E.
Identifiers: ClinVar variation 2171430 (VCV002171430.6), dbSNP rs571067306, ClinGen allele CA3278464.

ClinVar aggregate classification (germline): Conflicting classifications of pathogenicity. Review status: criteria provided, conflicting classifications (1 of 4 stars). 3 submissions from 3 submitters: Uncertain significance (2); Benign (1). Last evaluated 2026-01-27.

Conditions:
Inborn genetic diseases. Identifiers: MedGen C0950123, MeSH D030342.

Allele frequency attached by ClinVar (database versions not stated): TOPMed 0.00002; gnomAD 0.00003; ExAC 0.00004; gnomAD exomes 0.00004; 1000 Genomes Project 30x 0.00016; 1000 Genomes Project 0.00020.
gnomAD v4.1: 65 of 1,551,952 alleles (0.0042%); highest among the groups gnomAD compares: Non-Finnish European, 0.005%; no homozygotes.

Submissions (3):

Women's Health and Genetics/Laboratory Corporation of America, LabCorp
Classification: Uncertain significance. Last evaluated: 2026-01-27. Review status: criteria provided, single submitter. Criteria: LabCorp Variant Classification Summary - May 2015. Collection method: clinical testing. Allele origin: germline.
Comment: Variant summary: ZSWIM6 c.2625T>G (p.Asp875Glu) results in a conservative amino acid change in the encoded protein sequence. Algorithms developed to predict the effect of missense changes on protein structure and function are either unavailable or do not agree on the potential impact of this missense change. The variant allele was found at a frequency of 5.1e-05 in 157762 control chromosomes. The available data on variant occurrences in the general population are insufficient to allow any conclusion about variant significance. To our knowledge, no occurrence of c.2625T>G in individuals affected with ZSWIM6-related conditions and no experimental evidence demonstrating its impact on protein function have been reported. ClinVar contains an entry for this variant (Variation ID: 2171430). Based on the evidence outlined above, the variant was classified as uncertain significance.

Labcorp Genetics (formerly Invitae), Labcorp
Classification: Benign. Last evaluated: 2025-06-18. Review status: criteria provided, single submitter. Criteria: Invitae Variant Classification Sherloc (09022015). Collection method: clinical testing. Allele origin: germline.

Ambry Genetics
Classification: Uncertain significance for Inborn genetic diseases. Last evaluated: 2024-07-05. Review status: criteria provided, single submitter. Criteria: Ambry Variant Classification Scheme 2023. Collection method: clinical testing. Allele origin: germline.